The following is an entry in ClinVar:

NM_024884.3(L2HGDH):c.147T>G (p.Phe49Leu)

Gene: L2HGDH (L-2-hydroxyglutarate dehydrogenase; minus strand). Cytogenetic location: 14q21.3.
Variant type: single nucleotide variant.
Coding change: c.147T>G on transcript NM_024884.3 (MANE Select); coding-DNA position 147, T replaced by G.
Protein change: p.Phe49Leu; replaces phenylalanine 49 with leucine.
Molecular consequence: missense variant.
Genome position (GRCh38, 1-based): chr14:50,303,011, A>C on the plus strand (T>G on the coding strand, the complement: L2HGDH is on the minus strand). VCF-style: chr14-50303011-A-C. GRCh37 (hg19) VCF-style: chr14-50769729-A-C.
Other names: c.147T>G (NM_024884.2); short protein forms F49L.
Identifiers: ClinVar variation 1907571 (VCV001907571.4), dbSNP rs963589121, ClinGen allele CA260760373.

ClinVar aggregate classification (germline): Uncertain significance. Review status: criteria provided, multiple submitters, no conflicts (2 of 4 stars). 2 submissions from 2 submitters: Uncertain significance (2). Last evaluated 2024-07-14.

Conditions:
Inborn genetic diseases. Identifiers: MedGen C0950123, MeSH D030342.
L-2-hydroxyglutaric aciduria (L2HGA). Identifiers: Orphanet 79314, MedGen C1855995, MONDO:0009370, OMIM 236792, HP:0040144.

Allele frequency attached by ClinVar (database versions not stated): gnomAD exomes below 0.00001; TOPMed 0.00002; gnomAD 0.00003.
gnomAD v4.1: 6 of 1,600,052 alleles (0.00037%); highest among the groups gnomAD compares: African/African-American, 0.008%; no homozygotes.

Submissions (2):

Ambry Genetics
Classification: Uncertain significance for Inborn genetic diseases. Last evaluated: 2024-07-14. Review status: criteria provided, single submitter. Criteria: Ambry Variant Classification Scheme 2023. Collection method: clinical testing. Allele origin: germline.

Labcorp Genetics (formerly Invitae), Labcorp
Classification: Uncertain significance for L-2-hydroxyglutaric aciduria. Last evaluated: 2022-05-17. Review status: criteria provided, single submitter. Criteria: Invitae Variant Classification Sherloc (09022015). Collection method: clinical testing. Allele origin: germline.
Comment: This variant is present in population databases (no rsID available, gnomAD 0.01%). This sequence change replaces phenylalanine, which is neutral and non-polar, with leucine, which is neutral and non-polar, at codon 49 of the L2HGDH protein (p.Phe49Leu). This variant has not been reported in the literature in individuals affected with L2HGDH-related conditions. Algorithms developed to predict the effect of missense changes on protein structure and function (SIFT, PolyPhen-2, Align-GVGD) all suggest that this variant is likely to be tolerated. In summary, the available evidence is currently insufficient to determine the role of this variant in disease. Therefore, it has been classified as a Variant of Uncertain Significance.